The following is an entry in ClinVar:

NM_001367624.2(ZNF469):c.770C>A (p.Pro257His)

Gene: ZNF469 (zinc finger protein 469; plus strand). Cytogenetic location: 16q24.2.
Variant type: single nucleotide variant.
Coding change: c.770C>A on transcript NM_001367624.2 (MANE Select); coding-DNA position 770, C replaced by A.
Protein change: p.Pro257His; replaces proline 257 with histidine.
Molecular consequence: missense variant.
Genome position (GRCh38, 1-based): chr16:88,428,240, C>A. VCF-style: chr16-88428240-C-A. GRCh37 (hg19) VCF-style: chr16-88494648-C-A.
Other names: short protein forms P257H.
Identifiers: ClinVar variation 1430695 (VCV001430695.5), dbSNP rs753630744, ClinGen allele CA8224627.

ClinVar aggregate classification (germline): Uncertain significance (1 of 4 stars; one submission).

Allele frequency attached by ClinVar (database versions not stated): ExAC 0.00012.
gnomAD v4.1: 23 of 1,550,396 alleles (0.0015%); highest among the groups gnomAD compares: Non-Finnish European, 0.0019%; no homozygotes.

Submission:

Labcorp Genetics (formerly Invitae), Labcorp
Classification: Uncertain significance. Last evaluated: 2022-03-03. Review status: criteria provided, single submitter. Criteria: Invitae Variant Classification Sherloc (09022015). Collection method: clinical testing. Allele origin: germline.
Comment: This sequence change replaces proline, which is neutral and non-polar, with histidine, which is basic and polar, at codon 257 of the ZNF469 protein (p.Pro257His). This variant is present in population databases (rs753630744, gnomAD 0.007%). This variant has not been reported in the literature in individuals affected with ZNF469-related conditions. Algorithms developed to predict the effect of missense changes on protein structure and function are either unavailable or do not agree on the potential impact of this missense change (SIFT: "Deleterious"; PolyPhen-2: "Probably Damaging"; Align-GVGD: "Class C0"). In summary, the available evidence is currently insufficient to determine the role of this variant in disease. Therefore, it has been classified as a Variant of Uncertain Significance.